The following is an entry in ClinVar:

NM_000059.4(BRCA2):c.930_931del (p.Cys311fs)

Gene: BRCA2 (BRCA2 DNA repair associated; plus strand). Cytogenetic location: 13q13.1.
Variant type: Deletion.
Coding change: c.930_931del on transcript NM_000059.4 (MANE Select); coding-DNA positions 930 to 931, 2 bases deleted (AT; older notation c.930_931delAT).
Protein change: p.Cys311fs; shifts the reading frame from cysteine 311.
Molecular consequence: frameshift variant.
Genome position (GRCh38, 1-based): chr13:32,332,408-32,332,409, AT deleted; deleting any 2 consecutive bases within chr13:32,332,407-32,332,409 gives the same sequence; the c. name uses the placement nearest the transcript's 3' end. VCF-style (leftmost placement, unchanged base first): chr13-32332406-TTA-T. GRCh37 (hg19) VCF-style: chr13-32906543-TTA-T.
Other names: 1158delAT; c.930_931delAT (NM_000059.3); short protein forms C311fs.
Identifiers: ClinVar variation 52812 (VCV000052812.25), dbSNP rs80359755, ClinGen allele CA026100.

ClinVar aggregate classification (germline): Pathogenic. Review status: reviewed by expert panel (3 of 4 stars). 8 submissions from 8 submitters: Pathogenic (1). 7 of the submissions do not count toward it. Last evaluated 2016-09-08.

Conditions:
Hereditary breast ovarian cancer syndrome. Also called: Hereditary breast and ovarian cancer syndrome; Hereditary breast and ovarian cancer; Hereditary breast and ovarian cancer syndrome (HBOC); Breast and ovarian cancer; Hereditary breast and/or ovarian cancer syndrome; BRCA1- and BRCA2-Associated Hereditary Breast and Ovarian Cancer. Identifiers: Orphanet 145, MedGen C0677776, MeSH D061325, MONDO:0003582. Disease mechanism: loss of function.
Hereditary cancer-predisposing syndrome. Also called: Neoplastic Syndromes, Hereditary; Tumor predisposition; Hereditary neoplastic syndrome; Hereditary Cancer Syndrome. Identifiers: Orphanet 140162, MedGen C0027672, MeSH D009386, MONDO:0015356.
Breast-ovarian cancer, familial, susceptibility to, 2 (BROVCA2). Also called: BRCA2 Hereditary Breast and Ovarian Cancer. Identifiers: Orphanet 145, MedGen C2675520, MONDO:0012933, OMIM 612555. Disease mechanism: loss of function.

Submissions (8):

Evidence-based Network for the Interpretation of Germline Mutant Alleles (ENIGMA)
Classification: Pathogenic for Breast-ovarian cancer, familial, susceptibility to, 2. Last evaluated: 2016-09-08. Review status: reviewed by expert panel. Criteria: ENIGMA BRCA1/2 Classification Criteria (2015). Collection method: curation. Allele origin: germline.
Comment: Variant allele predicted to encode a truncated non-functional protein.

Labcorp Genetics (formerly Invitae), Labcorp
Classification: Pathogenic for Hereditary breast ovarian cancer syndrome. Last evaluated: 2025-08-11. Review status: criteria provided, single submitter. Criteria: Invitae Variant Classification Sherloc (09022015). Collection method: clinical testing. Allele origin: germline. Not counted in ClinVar's aggregate classification.
Comment: This sequence change creates a premature translational stop signal (p.Cys311Phefs*3) in the BRCA2 gene. It is expected to result in an absent or disrupted protein product. Loss-of-function variants in BRCA2 are known to be pathogenic (PMID: 20104584). This variant is not present in population databases (gnomAD no frequency). This variant has not been reported in the literature in individuals affected with BRCA2-related conditions. ClinVar contains an entry for this variant (Variation ID: 52812). For these reasons, this variant has been classified as Pathogenic.

Quest Diagnostics Nichols Institute San Juan Capistrano
Classification: Pathogenic. Last evaluated: 2025-04-22. Review status: criteria provided, single submitter. Criteria: Quest Diagnostics criteria. Collection method: clinical testing. Allele origin: unknown. Not counted in ClinVar's aggregate classification.
Comment: The BRCA2 c.930_931del (p.Cys311Phefs*3) variant alters the translational reading frame of the BRCA2 mRNA and causes the premature termination of BRCA2 protein synthesis. This variant has been reported in the published literature in an individual with ovarian cancer (PMID: 22006311 (2011)). This variant has not been reported in large, multi-ethnic general populations (Genome Aggregation Database). Based on the available information, this variant is classified as pathogenic.

Ambry Genetics
Classification: Pathogenic for Hereditary cancer-predisposing syndrome. Last evaluated: 2023-03-08. Review status: criteria provided, single submitter. Criteria: Ambry Variant Classification Scheme 2023. Collection method: clinical testing. Allele origin: germline. Not counted in ClinVar's aggregate classification.
Comment: The c.930_931delAT pathogenic mutation, located in coding exon 9 of the BRCA2 gene, results from a deletion of two nucleotides at nucleotide positions 930 to 931, causing a translational frameshift with a predicted alternate stop codon (p.C311Ffs*3). This variant is considered to be rare based on population cohorts in the Genome Aggregation Database (gnomAD). This alteration is expected to result in loss of function by premature protein truncation or nonsense-mediated mRNA decay. As such, this alteration is interpreted as a disease-causing mutation.

Color Diagnostics, LLC DBA Color Health
Classification: Pathogenic for Hereditary cancer-predisposing syndrome. Last evaluated: 2020-01-15. Review status: criteria provided, single submitter. Criteria: ACMG Guidelines, 2015. Collection method: clinical testing. Allele origin: germline. Not counted in ClinVar's aggregate classification.
Comment: This variant deletes 2 nucleotides in exon 10 of the BRCA2 gene, creating a frameshift and premature translation stop signal. This variant is expected to result in an absent or non-functional protein product. This variant has not been identified in the general population by the Genome Aggregation Database (gnomAD). Loss of BRCA2 function is a known mechanism of disease. Based on the available evidence, this variant is classified as Pathogenic.

ARUP Laboratories, Molecular Genetics and Genomics, ARUP Laboratories
Classification: Pathogenic. Last evaluated: 2018-05-03. Review status: criteria provided, single submitter. Criteria: ARUP Molecular Germline Variant Investigation Process. Collection method: clinical testing. Allele origin: germline. Not counted in ClinVar's aggregate classification.
Comment: The BRCA2 c.930_931delAT; p.Cys311fs variant (rs80359755), also known as 1157delAT, has been described in at least one individual affected with ovarian cancer (Walsh 2011). It is reported as pathogenic by several laboratories in ClinVar (Variation ID: 52812), and is absent from general population databases (1000 Genomes Project, Exome Variant Server, and Genome Aggregation Database), indicating it is not a common polymorphism. This variant creates a frameshift by deleting two nucleotides, so it is predicted to result in a truncated protein or mRNA subject to nonsense-mediated decay. Based on available information, this variant is considered pathogenic. References: Walsh T et al. Mutations in 12 genes for inherited ovarian, fallopian tube, and peritoneal carcinoma identified by massively parallel sequencing. Proc Natl Acad Sci U S A. 2011 Nov 1;108(44):18032-7.

GeneDx
Classification: Pathogenic. Last evaluated: 2017-12-13. Review status: criteria provided, single submitter. Criteria: GeneDx Variant Classification (06012015). Collection method: clinical testing. Allele origin: germline. Affected: yes. Not counted in ClinVar's aggregate classification.
Comment: This deletion of 2 nucleotides in BRCA2 is denoted c.930_931delAT at the cDNA level and p.Cys311PhefsX3 (C311FfsX3) at the protein level. The normal sequence, with the bases that are deleted in braces, is CATT[AT]GTTT. The deletion causes a frameshift which changes a Cysteine to a Phenylalanine at codon 311, and creates a premature stop codon at position 3 of the new reading frame. This variant is predicted to cause loss of normal protein function through either protein truncation or nonsense-mediated mRNA decay. Also published as BRCA2 1157delTA using alternate nomenclature, this variant has been observed in at least one individual with ovarian cancer (Walsh 2011). We consider BRCA2 c.930_931delAT to be pathogenic.

Breast Cancer Information Core (BIC) (BRCA2)
Classification: Pathogenic for Breast-ovarian cancer, familial 2. Last evaluated: 2002-05-29. Review status: no assertion criteria provided. Collection method: clinical testing. Allele origin: germline. Affected: yes. Observed: 1 variant allele. Not counted in ClinVar's aggregate classification.

Literature cited by the submitters: PubMed 20104584 (cited by Labcorp Genetics (formerly Invitae), Labcorp); PubMed 37461096 (cited by Quest Diagnostics Nichols Institute San Juan Capistrano); PubMed 26000489 (cited by Quest Diagnostics Nichols Institute San Juan Capistrano); PubMed 22006311 (cited by Quest Diagnostics Nichols Institute San Juan Capistrano and Ambry Genetics).